The following is an entry in ClinVar:

ClinVar aggregate classification (germline): Likely benign (1 of 4 stars; one submission).

gnomAD v4.1: 34 of 1,572,708 alleles (0.0022%); highest among the groups gnomAD compares: African/African-American, 0.0054%; no homozygotes.

Submission:

CeGaT Center for Human Genetics Tuebingen
Classification: Likely benign. Last evaluated: 2025-06-01. Review status: criteria provided, single submitter. Criteria: CeGaT Center For Human Genetics Tuebingen Variant Classification Criteria Version 2. Collection method: clinical testing. Allele origin: germline. Affected: yes. Observed: 1 variant allele.
Comment: DNAH17: BP4, BP7

NM_173628.4(DNAH17):c.12597C>T (p.Ala4199=)

Gene: DNAH17 (dynein axonemal heavy chain 17; minus strand). Cytogenetic location: 17q25.3.
Variant type: single nucleotide variant.
Coding change: c.12597C>T on transcript NM_173628.4 (MANE Select); coding-DNA position 12597, C replaced by T.
Protein change: p.Ala4199=; no amino-acid change (alanine 4199 retained).
Molecular consequence: synonymous variant.
Genome position (GRCh38, 1-based): chr17:78,427,100, G>A on the plus strand (C>T on the coding strand, the complement: DNAH17 is on the minus strand). VCF-style: chr17-78427100-G-A. GRCh37 (hg19) VCF-style: chr17-76423181-G-A.
Identifiers: ClinVar variation 4084551 (VCV004084551.8).